The following is an entry in ClinVar:

ClinVar aggregate classification (germline): Benign/Likely benign. Review status: criteria provided, multiple submitters, no conflicts (2 of 4 stars). 3 submissions from 3 submitters: Benign (1); Likely benign (2). Last evaluated 2025-06-15.

Conditions:
Von Hippel-Lindau syndrome (VHLS). Also called: Von Hippel-Lindau; von Hippel–Lindau syndrome; VHL syndrome. Identifiers: Orphanet 892, MedGen C0019562, MONDO:0008667, OMIM 193300. Disease mechanism: loss of function.
Chuvash polycythemia. Also called: POLYCYTHEMIA, VHL-DEPENDENT. Identifiers: Orphanet 238557, MedGen C1837915, MONDO:0009892, OMIM 263400.
Hereditary cancer-predisposing syndrome. Also called: Hereditary Cancer Syndrome; Hereditary neoplastic syndrome; Tumor predisposition; Neoplastic Syndromes, Hereditary. Identifiers: Orphanet 140162, MedGen C0027672, MeSH D009386, MONDO:0015356.

Allele frequency attached by ClinVar (database versions not stated): gnomAD exomes below 0.00001 and 0.00001; TOPMed below 0.00001.
gnomAD v4.1: 3 of 1,546,858 alleles (0.00019%); highest among the groups gnomAD compares: African/African-American, 0.0027%; no homozygotes.

Submissions (3):

Labcorp Genetics (formerly Invitae), Labcorp
Classification: Likely benign for Von Hippel-Lindau syndrome; Chuvash polycythemia. Last evaluated: 2025-06-15. Review status: criteria provided, single submitter. Criteria: Invitae Variant Classification Sherloc (09022015). Collection method: clinical testing. Allele origin: germline.

Myriad Genetics, Inc.
Classification: Benign for Von Hippel-Lindau syndrome. Last evaluated: 2025-06-10. Review status: criteria provided, single submitter. Criteria: Myriad Autosomal Dominant, Autosomal Recessive and X-Linked Classification Criteria (2023). Collection method: clinical testing. Allele origin: unknown.
Comment: This variant is considered benign. This variant is a silent/synonymous amino acid change and it is not expected to impact splicing.

Ambry Genetics
Classification: Likely benign for Hereditary cancer-predisposing syndrome. Last evaluated: 2016-09-16. Review status: criteria provided, single submitter. Criteria: Ambry Variant Classification Scheme 2023. Collection method: clinical testing. Allele origin: germline.

NM_000551.4(VHL):c.108G>A (p.Glu36=)

Gene: VHL (von Hippel-Lindau tumor suppressor; plus strand). Cytogenetic location: 3p25.3.
Variant type: single nucleotide variant.
Coding change: c.108G>A on transcript NM_000551.4 (MANE Select); coding-DNA position 108, G replaced by A.
Protein change: p.Glu36=; no amino-acid change (glutamic acid 36 retained).
Molecular consequence: synonymous variant.
Genome position (GRCh38, 1-based): chr3:10,141,955, G>A. VCF-style: chr3-10141955-G-A. GRCh37 (hg19) VCF-style: chr3-10183639-G-A.
Other names: c.108G>A, p.Glu36= (NM_001354723.2, NM_198156.3).
Identifiers: ClinVar variation 456560 (VCV000456560.16), dbSNP rs1553619344, ClinGen allele CA432536268.